The following is an entry in ClinVar:

ClinVar aggregate classification (germline): Likely benign (1 of 4 stars; one submission).

Allele frequency attached by ClinVar (database versions not stated): gnomAD 0.00060 and 0.00087; TOPMed 0.00079; gnomAD exomes 0.00160 and 0.00289; 1000 Genomes Project 30x 0.00297; 1000 Genomes Project 0.00300.

Submission:

GeneDx
Classification: Likely benign. Last evaluated: 2022-01-09. Review status: criteria provided, single submitter. Criteria: GeneDx Variant Classification Process June 2021. Collection method: clinical testing. Allele origin: germline. Affected: yes.
Comment: See Variant Classification Assertion Criteria.

NC_000003.12:g.93980092G>T

Gene: ARL13B (ARF like GTPase 13B; plus strand). Cytogenetic location: 3q11.1.
Variant type: single nucleotide variant.
Genome position: GRCh38 VCF-style: chr3-93980092-G-T. GRCh37 (hg19) VCF-style: chr3-93698936-G-T.
Identifiers: ClinVar variation 1695461 (VCV001695461.3), dbSNP rs117318079, ClinGen allele CA2503655.